The following is an entry in ClinVar:

ClinVar aggregate classification (germline): Uncertain significance (1 of 4 stars; one submission).

Conditions:
Hereditary spastic paraplegia 62. Also called: Spastic paraplegia 62, autosomal recessive. Identifiers: Orphanet 401785, MedGen C4284588, MONDO:0014302, OMIM 615681.

Submission:

Labcorp Genetics (formerly Invitae), Labcorp
Classification: Uncertain significance for Hereditary spastic paraplegia 62. Last evaluated: 2023-06-30. Review status: criteria provided, single submitter. Criteria: Invitae Variant Classification Sherloc (09022015). Collection method: clinical testing. Allele origin: germline.
Comment: In summary, the available evidence is currently insufficient to determine the role of this variant in disease. Therefore, it has been classified as a Variant of Uncertain Significance. Advanced modeling of protein sequence and biophysical properties (such as structural, functional, and spatial information, amino acid conservation, physicochemical variation, residue mobility, and thermodynamic stability) performed at Invitae indicates that this missense variant is expected to disrupt ERLIN1 protein function. ClinVar contains an entry for this variant (Variation ID: 1000747). This variant has not been reported in the literature in individuals affected with ERLIN1-related conditions. This variant is not present in population databases (gnomAD no frequency). This sequence change replaces methionine, which is neutral and non-polar, with isoleucine, which is neutral and non-polar, at codon 54 of the ERLIN1 protein (p.Met54Ile).

NM_006459.4(ERLIN1):c.162G>T (p.Met54Ile)

Gene: ERLIN1 (ER lipid raft associated 1; minus strand). Cytogenetic location: 10q24.31.
Variant type: single nucleotide variant.
Coding change: c.162G>T on transcript NM_006459.4 (MANE Select); coding-DNA position 162, G replaced by T.
Protein change: p.Met54Ile; replaces methionine 54 with isoleucine.
Molecular consequence: missense variant. On other transcripts: 5 prime UTR variant (1), non-coding transcript variant (5), intron variant (1).
Genome position (GRCh38, 1-based): chr10:100,183,789, C>A on the plus strand (G>T on the coding strand, the complement: ERLIN1 is on the minus strand). VCF-style: chr10-100183789-C-A. GRCh37 (hg19) VCF-style: chr10-101943546-C-A.
Other names: c.162G>T, p.Met54Ile (NM_001100626.2, NM_001347857.2, NM_001347859.2 and 2 more transcripts); c.-210G>T (NM_001347858.2); c.-58+1725G>T (NM_001347856.2); short protein forms M54I.
Identifiers: ClinVar variation 1000747 (VCV001000747.6), dbSNP rs1844798250, ClinGen allele CA378156508.